The following is an entry in ClinVar:

NM_001711.6(BGN):c.232G>A (p.Asp78Asn)

Gene: BGN (biglycan; plus strand). Cytogenetic location: Xq28.
Variant type: single nucleotide variant.
Coding change: c.232G>A on transcript NM_001711.6 (MANE Select); coding-DNA position 232, G replaced by A.
Protein change: p.Asp78Asn; replaces aspartic acid 78 with asparagine.
Molecular consequence: missense variant.
Genome position (GRCh38, 1-based): chrX:153,504,863, G>A. VCF-style: chrX-153504863-G-A. GRCh37 (hg19) VCF-style: chrX-152770321-G-A.
Other names: short protein forms D78N.
Identifiers: ClinVar variation 1038905 (VCV001038905.7), dbSNP rs1295300381, ClinGen allele CA415068670.

ClinVar aggregate classification (germline): Uncertain significance (1 of 4 stars; one submission).

Allele frequency attached by ClinVar (database versions not stated): gnomAD exomes below 0.00001; gnomAD 0.00002; TOPMed 0.00002.

Submission:

Labcorp Genetics (formerly Invitae), Labcorp
Classification: Uncertain significance. Last evaluated: 2025-06-25. Review status: criteria provided, single submitter. Criteria: Invitae Variant Classification Sherloc (09022015). Collection method: clinical testing. Allele origin: germline.
Comment: This sequence change replaces aspartic acid, which is acidic and polar, with asparagine, which is neutral and polar, at codon 78 of the BGN protein (p.Asp78Asn). This variant is not present in population databases (gnomAD no frequency). This variant has not been reported in the literature in individuals affected with BGN-related conditions. ClinVar contains an entry for this variant (Variation ID: 1038905). Invitae Evidence Modeling of protein sequence and biophysical properties (such as structural, functional, and spatial information, amino acid conservation, physicochemical variation, residue mobility, and thermodynamic stability) indicates that this missense variant is not expected to disrupt BGN protein function with a negative predictive value of 80%. In summary, the available evidence is currently insufficient to determine the role of this variant in disease. Therefore, it has been classified as a Variant of Uncertain Significance.